The following is an entry in ClinVar:

ClinVar aggregate classification (germline): Uncertain significance (1 of 4 stars; one submission).

Conditions:
Familial hypocalciuric hypercalcemia (FHH). Also called: Familial benign hypercalcemia. Identifiers: Orphanet 405, MedGen C1809471, MONDO:0018458.
Autosomal dominant hypocalcemia 1 (HYPOC1). Also called: HYPOCALCEMIA, FAMILIAL. Identifiers: MedGen C3715128, MONDO:0011013, OMIM 601198.

Submission:

Labcorp Genetics (formerly Invitae), Labcorp
Classification: Uncertain significance for Familial hypocalciuric hypercalcemia; Autosomal dominant hypocalcemia 1. Last evaluated: 2022-09-07. Review status: criteria provided, single submitter. Criteria: Invitae Variant Classification Sherloc (09022015). Collection method: clinical testing. Allele origin: germline.
Comment: In summary, the available evidence is currently insufficient to determine the role of this variant in disease. Therefore, it has been classified as a Variant of Uncertain Significance. Algorithms developed to predict the effect of missense changes on protein structure and function (SIFT, PolyPhen-2, Align-GVGD) all suggest that this variant is likely to be disruptive. This variant has not been reported in the literature in individuals affected with CASR-related conditions. This variant is not present in population databases (gnomAD no frequency). This sequence change replaces valine, which is neutral and non-polar, with glutamic acid, which is acidic and polar, at codon 153 of the CASR protein (p.Val153Glu).

NM_000388.4(CASR):c.458T>A (p.Val153Glu)

Gene: CASR (calcium sensing receptor; plus strand). Cytogenetic location: 3q21.1.
Variant type: single nucleotide variant.
Coding change: c.458T>A on transcript NM_000388.4 (MANE Select); coding-DNA position 458, T replaced by A.
Protein change: p.Val153Glu; replaces valine 153 with glutamic acid.
Molecular consequence: missense variant.
Genome position (GRCh38, 1-based): chr3:122,257,353, T>A. VCF-style: chr3-122257353-T-A. GRCh37 (hg19) VCF-style: chr3-121976200-T-A.
Other names: c.458T>A, p.Val153Glu (NM_001178065.2); short protein forms V153E.
Identifiers: ClinVar variation 1718986 (VCV001718986.6), dbSNP rs2473215260, ClinGen allele CA354362934.